The following is an entry in ClinVar:

NM_000543.5(SMPD1):c.820del (p.Met274fs)

Gene: SMPD1 (sphingomyelin phosphodiesterase 1; plus strand). Cytogenetic location: 11p15.4.
Variant type: Deletion.
Coding change: c.820del on transcript NM_000543.5 (MANE Select); coding-DNA position 820, one base deleted (A; older notation c.820delA).
Protein change: p.Met274fs; shifts the reading frame from methionine 274.
Molecular consequence: frameshift variant. On other transcripts: 5 prime UTR variant (1), non-coding transcript variant (1).
Genome position (GRCh38, 1-based): chr11:6,391,885, A deleted. VCF-style (leftmost placement, unchanged base first): chr11-6391884-TA-T. GRCh37 (hg19) VCF-style: chr11-6413114-TA-T.
Other names: c.817del, p.Met273fs (NM_001007593.3); c.820del, p.Met274fs (NM_001318087.2, NM_001365135.2); c.-142del (NM_001318088.2); short protein forms M273fs, M274fs.
Identifiers: ClinVar variation 1420134 (VCV001420134.6), dbSNP rs2134011809, ClinGen allele CA2573147174.

ClinVar aggregate classification (germline): Pathogenic (1 of 4 stars; one submission).

Conditions:
Niemann-Pick disease, type B. Also called: Chronic Visceral ASMD (Niemann-Pick Disease Type B; NPD-B). Identifiers: Orphanet 77293, MedGen C0268243, MONDO:0011871, OMIM 607616. Disease mechanism: loss of function.
Niemann-Pick disease, type A. Also called: Infantile Neurovisceral ASMD (Niemann-Pick Disease Type A; NPD-A); SPHINGOMYELIN LIPIDOSIS; SPHINGOMYELINASE DEFICIENCY. Identifiers: Orphanet 77292, MedGen C0268242, MONDO:0009756, OMIM 257200. Disease mechanism: loss of function.

Submission:

Labcorp Genetics (formerly Invitae), Labcorp
Classification: Pathogenic for Niemann-Pick disease, type B; Niemann-Pick disease, type A. Last evaluated: 2020-12-29. Review status: criteria provided, single submitter. Criteria: Invitae Variant Classification Sherloc (09022015). Collection method: clinical testing. Allele origin: germline.
Comment: This variant has not been reported in the literature in individuals with SMPD1-related conditions. For these reasons, this variant has been classified as Pathogenic. This variant is not present in population databases (ExAC no frequency). This sequence change creates a premature translational stop signal (p.Met274Trpfs*25) in the SMPD1 gene. It is expected to result in an absent or disrupted protein product. Loss-of-function variants in SMPD1 are known to be pathogenic (PMID: 12369017, 15221801).

Literature cited by the submitters: PubMed 12369017; PubMed 15221801.